The following is an entry in ClinVar:

ClinVar aggregate classification (germline): Uncertain significance. Review status: criteria provided, multiple submitters, no conflicts (2 of 4 stars). 2 submissions from 2 submitters: Uncertain significance (2). Last evaluated 2026-01-13.

Submissions (2):

Labcorp Genetics (formerly Invitae), Labcorp
Classification: Uncertain significance. Last evaluated: 2026-01-13. Review status: criteria provided, single submitter. Criteria: Invitae Variant Classification Sherloc (09022015). Collection method: clinical testing. Allele origin: germline.
Comment: This variant, c.148_150dup, results in the insertion of 1 amino acid(s) of the FOXI3 protein (p.Ala50dup), but otherwise preserves the integrity of the reading frame. This variant is present in population databases (no rsID available, gnomAD 0.03%). This variant has not been reported in the literature in individuals affected with FOXI3-related conditions. Experimental studies and prediction algorithms are not available or were not evaluated, and the functional significance of this variant is currently unknown. In summary, the available evidence is currently insufficient to determine the role of this variant in disease. Therefore, it has been classified as a Variant of Uncertain Significance.

CeGaT Center for Human Genetics Tuebingen
Classification: Uncertain significance. Last evaluated: 2025-12-01. Review status: criteria provided, single submitter. Criteria: CeGaT Center For Human Genetics Tuebingen Variant Classification Criteria Version 2. Collection method: clinical testing. Allele origin: germline. Affected: yes. Observed: 1 variant allele.
Comment: FOXI3: PM2

NM_001135649.3(FOXI3):c.139GCC[5] (p.Ala50dup)

Gene: FOXI3 (forkhead box I3; minus strand). Cytogenetic location: 2p11.2.
Variant type: Microsatellite.
Coding change: c.139GCC[5] on transcript NM_001135649.3 (MANE Select); five copies in a row of the 3-base unit GCC starting at c.139; the reference has four copies in a row; one copy, 3 bases duplicated.
Protein change: p.Ala50dup; duplicates alanine 50.
Molecular consequence: inframe insertion.
Genome position (GRCh38, 1-based): chr2:88,452,386-88,452,388, GGC duplicated on the plus strand (GCC on the coding strand, the reverse complement: FOXI3 is on the minus strand); duplicating any 3 consecutive bases within chr2:88,452,386-88,452,397 gives the same sequence; the position shown is the placement nearest the transcript's 3' end. VCF-style (leftmost placement, unchanged base first): chr2-88452385-T-TGGC. GRCh37 (hg19) VCF-style: chr2-88751903-T-TGGC.
Identifiers: ClinVar variation 1401054 (VCV001401054.14), dbSNP rs1243033940, ClinGen allele CA534638484.